The following is an entry in ClinVar:

NM_001004356.3(FGFRL1):c.1418A>C (p.Lys473Thr)

Gene: FGFRL1 (fibroblast growth factor receptor like 1; plus strand). Cytogenetic location: 4p16.3.
Variant type: single nucleotide variant.
Coding change: c.1418A>C on transcript NM_001004356.3 (MANE Select); coding-DNA position 1418, A replaced by C.
Protein change: p.Lys473Thr; replaces lysine 473 with threonine.
Molecular consequence: missense variant.
Genome position (GRCh38, 1-based): chr4:1,025,250, A>C. VCF-style: chr4-1025250-A-C. GRCh37 (hg19) VCF-style: chr4-1019038-A-C.
Other names: c.1418A>C, p.Lys473Thr (NM_001004358.1, NM_001370296.1, NM_021923.3); short protein forms K473T.
Identifiers: ClinVar variation 2909556 (VCV002909556.3), dbSNP rs755416353, ClinGen allele CA2803108.

ClinVar aggregate classification (germline): Uncertain significance (1 of 4 stars; one submission).

gnomAD v4.1: 8 of 1,607,014 alleles (0.0005%); highest among the groups gnomAD compares: South Asian, 0.0055%; no homozygotes.

Submission:

Labcorp Genetics (formerly Invitae), Labcorp
Classification: Uncertain significance. Last evaluated: 2024-04-06. Review status: criteria provided, single submitter. Criteria: Invitae Variant Classification Sherloc (09022015). Collection method: clinical testing. Allele origin: germline.
Comment: This sequence change replaces lysine, which is basic and polar, with threonine, which is neutral and polar, at codon 473 of the FGFRL1 protein (p.Lys473Thr). This variant is present in population databases (rs755416353, gnomAD 0.003%). This variant has not been reported in the literature in individuals affected with FGFRL1-related conditions. An algorithm developed to predict the effect of missense changes on protein structure and function (PolyPhen-2) suggests that this variant is likely to be tolerated. In summary, the available evidence is currently insufficient to determine the role of this variant in disease. Therefore, it has been classified as a Variant of Uncertain Significance.